The following is an entry in ClinVar:

ClinVar aggregate classification (germline): Likely pathogenic. Review status: criteria provided, multiple submitters, no conflicts (2 of 4 stars). 2 submissions from 2 submitters: Likely pathogenic (2). Last evaluated 2024-03-06.

Conditions:
Primary ciliary dyskinesia 17. Also called: CILIARY DYSKINESIA, PRIMARY, 17, WITH OR WITHOUT SITUS INVERSUS. Identifiers: Orphanet 244, MedGen C3542550, MONDO:0013854, OMIM 614679.

Submissions (2):

Fulgent Genetics
Classification: Likely pathogenic for Primary ciliary dyskinesia 17. Last evaluated: 2024-03-06. Review status: criteria provided, single submitter. Criteria: ACMG Guidelines, 2015. Collection method: clinical testing. Allele origin: germline.

Women's Health and Genetics/Laboratory Corporation of America, LabCorp
Classification: Likely pathogenic for Primary ciliary dyskinesia 17. Last evaluated: 2024-03-06. Review status: criteria provided, single submitter. Criteria: LabCorp Variant Classification Summary - May 2015. Collection method: clinical testing. Allele origin: germline.
Comment: Variant summary: CCDC103 c.276_276+13del14 is located in a canonical splice-site and is predicted to affect mRNA splicing resulting in a significantly altered protein due to either exon skipping, shortening, or inclusion of intronic material. Several computational tools predict a significant impact on normal splicing: Four predict the variant abolishes a 5' splicing donor site. However, these predictions have yet to be confirmed by functional studies. The variant was absent in 251198 control chromosomes. To our knowledge, no occurrence of c.276_276+13del14 in individuals affected with Primary ciliary dyskinesia 17 and no experimental evidence demonstrating its impact on protein function have been reported. No submitters have cited clinical-significance assessments for this variant to ClinVar. Based on the evidence outlined above, the variant was classified as likely pathogenic.

NM_213607.3(DNAAF19):c.276_276+13del

Gene: DNAAF19 (dynein axonemal assembly factor 19; plus strand). Cytogenetic location: 17q21.31.
Variant type: Deletion.
Coding change: c.276_276+13del on transcript NM_213607.3 (MANE Select); coding-DNA position 276 through 13 bases into the intron after coding-DNA position 276, 14 bases deleted (GGTAGGTGAGGCCC).
Molecular consequence: splice donor variant.
Genome position (GRCh38, 1-based): chr17:44,901,652-44,901,665, GGTAGGTGAGGCCC deleted; deleting any 14 consecutive bases within chr17:44,901,649-44,901,665 gives the same sequence; the c. name uses the placement nearest the transcript's 3' end. VCF-style (leftmost placement, unchanged base first): chr17-44901648-CCCCGGTAGGTGAGG-C. GRCh37 (hg19) VCF-style: chr17-42979016-CCCCGGTAGGTGAGG-C.
Other names: c.276_276+13del14 (NM_213607.3); c.276_280+9del (NM_001258399.2, NM_001258398.3); c.276_276+13del (NM_001258397.3, NM_001258396.2, NM_001258395.2).
Identifiers: ClinVar variation 3233633 (VCV003233633.3), dbSNP rs2508896569, ClinGen allele CA2825002555.